The following is an entry in ClinVar:

ClinVar aggregate classification (germline): Likely benign (0 of 4 stars; one submission).

Conditions:
CXCL12-related disorder. Also called: CXCL12-related condition.

Allele frequency attached by ClinVar (database versions not stated): TOPMed 0.00232; 1000 Genomes Project 30x 0.00109; ExAC 0.00167; gnomAD exomes 0.00303; 1000 Genomes Project 0.00100; gnomAD 0.00234.
gnomAD v4.1: 4,519 of 1,536,422 alleles (0.29%); highest among the groups gnomAD compares: Non-Finnish European, 0.36%; 8 homozygotes.

Submission:

PreventionGenetics, part of Exact Sciences
Classification: Likely benign for CXCL12-related condition. Last evaluated: 2019-02-19. Review status: no assertion criteria provided. Collection method: clinical testing. Allele origin: germline.
Comment: This variant is classified as likely benign based on ACMG/AMP sequence variant interpretation guidelines (Richards et al. 2015 PMID: 25741868, with internal and published modifications).

NM_001277990.2(CXCL12):c.110-6A>G

Gene: CXCL12 (C-X-C motif chemokine ligand 12; minus strand). Cytogenetic location: 10q11.21.
Variant type: single nucleotide variant.
Coding change: c.110-6A>G on transcript NM_001277990.2; 6 bases into the intron before coding-DNA position 110, A replaced by G.
Molecular consequence: intron variant. On other transcripts: 3 prime UTR variant (1).
Genome position (GRCh38, 1-based): chr10:44,373,096, T>C on the plus strand (A>G on the coding strand, the complement: CXCL12 is on the minus strand). VCF-style: chr10-44373096-T-C. GRCh37 (hg19) VCF-style: chr10-44868544-T-C.
Other names: c.*232A>G (NM_000609.7).
Identifiers: ClinVar variation 3037442 (VCV003037442.2), dbSNP rs140248633, ClinGen allele CA5478986.
Genomic context (GRCh38, chr10:44,373,096, plus strand): 5'-GTCAGAGGAGTGGCTCCGTGGAAAGACACTCTAATAAGGCAAGTACAATAATGGCCTTAG[T>C]CTAAGCTGCTACGTGTCGCCAGTGACACTGAATAATCAAACTAAATGAAAAATAAATGTC-3'